The following is an entry in ClinVar:

ClinVar aggregate classification (germline): Uncertain significance (1 of 4 stars; one submission).

Conditions:
Marfan syndrome (MFS). Also called: MARFAN SYNDROME, TYPE I; Marfan syndrome type 1; Marfan's syndrome; Marfan syndrome, classic; FBN1-Related Marfan Syndrome. Identifiers: Orphanet 284963, Orphanet 558, MedGen C0024796, MONDO:0007947, OMIM 154700.
Familial thoracic aortic aneurysm and aortic dissection (TAAD). Also called: Thoracic aortic aneurysms and dissections. Identifiers: Orphanet 91387, MedGen C4707243, MONDO:0019625.

Allele frequency attached by ClinVar (database versions not stated): gnomAD exomes below 0.00001.
gnomAD v4.1: 1 of 1,614,088 alleles (0.000062%); highest among the groups gnomAD compares: Non-Finnish European, 0.000085%; no homozygotes.

Submission:

Labcorp Genetics (formerly Invitae), Labcorp
Classification: Uncertain significance for Marfan syndrome; Familial thoracic aortic aneurysm and aortic dissection. Last evaluated: 2025-06-11. Review status: criteria provided, single submitter. Criteria: Invitae Variant Classification Sherloc (09022015). Collection method: clinical testing. Allele origin: germline.
Comment: This sequence change replaces aspartic acid, which is acidic and polar, with glycine, which is neutral and non-polar, at codon 978 of the FBN1 protein (p.Asp978Gly). This variant is not present in population databases (gnomAD no frequency). This variant has not been reported in the literature in individuals affected with FBN1-related conditions. ClinVar contains an entry for this variant (Variation ID: 2924888). Invitae Evidence Modeling of protein sequence and biophysical properties (such as structural, functional, and spatial information, amino acid conservation, physicochemical variation, residue mobility, and thermodynamic stability) indicates that this missense variant is expected to disrupt FBN1 protein function with a positive predictive value of 95%. In summary, the available evidence is currently insufficient to determine the role of this variant in disease. Therefore, it has been classified as a Variant of Uncertain Significance.

NM_000138.5(FBN1):c.2933A>G (p.Asp978Gly)

Gene: FBN1 (fibrillin 1; minus strand). Cytogenetic location: 15q21.1.
Variant type: single nucleotide variant.
Coding change: c.2933A>G on transcript NM_000138.5 (MANE Select); coding-DNA position 2933, A replaced by G.
Protein change: p.Asp978Gly; replaces aspartic acid 978 with glycine.
Molecular consequence: missense variant.
Genome position (GRCh38, 1-based): chr15:48,490,000, T>C on the plus strand (A>G on the coding strand, the complement: FBN1 is on the minus strand). VCF-style: chr15-48490000-T-C. GRCh37 (hg19) VCF-style: chr15-48782197-T-C.
Other names: c.2933A>G, p.Asp978Gly (NM_001406716.1); short protein forms D978G.
Identifiers: ClinVar variation 2924888 (VCV002924888.3), dbSNP rs2505558393, ClinGen allele CA392329668.